The following is an entry in ClinVar:

ClinVar aggregate classification (germline): Conflicting classifications of pathogenicity. Review status: criteria provided, conflicting classifications (1 of 4 stars). 9 submissions from 9 submitters: Uncertain significance (6); Benign (1). 2 of the submissions do not count toward it. Last evaluated 2026-01-15.

Conditions:
Cardiomyopathy (CMYO). Also called: Cardiomyopathies. Identifiers: Orphanet 167848, MedGen C0878544, MONDO:0004994, HP:0001638. Inheritance: Various modes of inheritance.
Dilated cardiomyopathy 1AA (CMD1AA). Also called: Cardiomyopathy, dilated, 1AA, with or without LVNC; CARDIOMYOPATHY, DILATED, 1AA, WITH OR WITHOUT LEFT VENTRICULAR NONCOMPACTION; CARDIOMYOPATHY, FAMILIAL HYPERTROPHIC, 23, WITH OR WITHOUT LEFT VENTRICULAR NONCOMPACTION. Identifiers: Orphanet 154, MedGen C2677338, MONDO:0012808, OMIM 612158.
Myopathy, congenital, with structured cores and z-line abnormalities. Also called: CONGENITAL MYOPATHY 8; MULTIPLE STRUCTURED CORE DISEASE. Identifiers: MedGen C5231445, MONDO:0032852, OMIM 618654.
Myopathy, distal, 6, adult-onset, autosomal dominant. Identifiers: MedGen C5203349, MONDO:0032853, OMIM 618655.
Cardiovascular phenotype. Identifiers: MedGen CN230736.
ACTN2-related disorder. Also called: ACTN2 related condition; ACTN2-related disorders.
Primary familial hypertrophic cardiomyopathy (HCM). Identifiers: Orphanet 99739, MedGen C0949658, MeSH D024741, MONDO:0024573. Inheritance: Various modes of inheritance.

Allele frequency attached by ClinVar (database versions not stated): gnomAD 0.00002; gnomAD exomes 0.00002 and 0.00003; ExAC 0.00005; TOPMed 0.00005.

Submissions (9):

Labcorp Genetics (formerly Invitae), Labcorp
Classification: Benign for Primary familial hypertrophic cardiomyopathy; Dilated cardiomyopathy 1AA. Last evaluated: 2026-01-15. Review status: criteria provided, single submitter. Criteria: Invitae Variant Classification Sherloc (09022015). Collection method: clinical testing. Allele origin: germline.

Ambry Genetics
Classification: Uncertain significance for Cardiovascular phenotype. Last evaluated: 2024-12-03. Review status: criteria provided, single submitter. Criteria: Ambry Variant Classification Scheme 2023. Collection method: clinical testing. Allele origin: germline.
Comment: The p.T744M variant (also known as c.2231C>T), located in coding exon 18 of the ACTN2 gene, results from a C to T substitution at nucleotide position 2231. The threonine at codon 744 is replaced by methionine, an amino acid with similar properties. This alteration has been reported to be maternally inherited in an individual with early sudden death and cardiac dilation, cardiomyocyte hypertrophy, and interstitial fibrosis uncovered on autopsy. This individual also carried two MYOM1 variants in trans (p.K206_ S211del and p.E505A) (Shanks GW et al. Circ Cardiovasc Genet, 2017 Oct;10(5):e001828). This amino acid position is well conserved in available vertebrate species. In addition, this alteration is predicted to be tolerated by in silico analysis. Since supporting evidence is limited at this time, the clinical significance of this alteration remains unclear.

GeneDx
Classification: Uncertain significance. Last evaluated: 2024-09-17. Review status: criteria provided, single submitter. Criteria: GeneDx Variant Classification Process June 2021. Collection method: clinical testing. Allele origin: germline. Affected: yes.
Comment: In silico analysis supports that this missense variant has a deleterious effect on protein structure/function; This variant is associated with the following publications: (PMID: 28986455)

Fulgent Genetics
Classification: Uncertain significance for Dilated cardiomyopathy 1AA; Myopathy, congenital, with structured cores and z-line abnormalities; Myopathy, distal, 6, adult-onset, autosomal dominant. Last evaluated: 2024-01-09. Review status: criteria provided, single submitter. Criteria: ACMG Guidelines, 2015. Collection method: clinical testing. Allele origin: germline.

Illumina Laboratory Services, Illumina
Classification: Uncertain significance for Dilated cardiomyopathy 1AA. Last evaluated: 2018-01-13. Review status: criteria provided, single submitter. Criteria: ICSL Variant Classification Criteria 13 December 2019. Collection method: clinical testing. Allele origin: germline.

Molecular Diagnostic Laboratory for Inherited Cardiovascular Disease, Montreal Heart Institute
Classification: Uncertain significance for Primary familial hypertrophic cardiomyopathy. Last evaluated: 2017-04-19. Review status: criteria provided, single submitter. Criteria: ACMG Guidelines, 2015. Collection method: clinical testing. Allele origin: germline. Affected: yes.

CHEO Genetics Diagnostic Laboratory, Children's Hospital of Eastern Ontario
Classification: Uncertain significance for Cardiomyopathy. Last evaluated: 2016-01-15. Review status: criteria provided, single submitter. Criteria: ACMG Guidelines, 2015. Collection method: clinical testing. Allele origin: germline. Study: Canadian Open Genetics Repository.

PreventionGenetics, part of Exact Sciences
Classification: Uncertain significance for ACTN2-related condition. Last evaluated: 2024-06-08. Review status: no assertion criteria provided. Collection method: clinical testing. Allele origin: germline. Not counted in ClinVar's aggregate classification.
Comment: The ACTN2 c.2231C>T variant is predicted to result in the amino acid substitution p.Thr744Met. This variant has been reported in a case of sudden death with the autopsy findings of cardiac dilation, cardiomyocyte hypertrophy, and interstitial fibrosis. This individual also carried compound heterozygous variants in another gene associated with cardiomyopathy (Shanks et al. 2017. PubMed ID: 28986455). This variant is reported in 0.016% of alleles in individuals of East Asian descent in gnomAD. At this time, the clinical significance of this variant is uncertain due to the absence of conclusive functional and genetic evidence.

Clinical Genetics DNA and cytogenetics Diagnostics Lab, Erasmus MC, Erasmus Medical Center
Classification: Uncertain significance. Review status: no assertion criteria provided. Collection method: clinical testing. Allele origin: germline. Affected: yes. Study: VKGL Data-share Consensus. Not counted in ClinVar's aggregate classification.

Literature cited by the submitters: PubMed 28986455 (cited by Ambry Genetics).

NM_001103.4(ACTN2):c.2231C>T (p.Thr744Met)

Gene: ACTN2 (actinin alpha 2; plus strand). Cytogenetic location: 1q43.
Variant type: single nucleotide variant.
Coding change: c.2231C>T on transcript NM_001103.4 (MANE Select); coding-DNA position 2231, C replaced by T.
Protein change: p.Thr744Met; replaces threonine 744 with methionine.
Molecular consequence: missense variant.
Genome position (GRCh38, 1-based): chr1:236,757,562, C>T. VCF-style: chr1-236757562-C-T. GRCh37 (hg19) VCF-style: chr1-236920862-C-T.
Other names: c.2231C>T, p.Thr744Met (NM_001278343.2); c.1607C>T, p.Thr536Met (NM_001278344.2); short protein forms T744M, T536M.
Identifiers: ClinVar variation 429493 (VCV000429493.27), dbSNP rs765747662, ClinGen allele CA1473383.